The following is an entry in ClinVar:

NM_004527.4(MEOX1):c.664C>T (p.Arg222Ter)

Gene: MEOX1 (mesenchyme homeobox 1; minus strand). Cytogenetic location: 17q21.31.
Variant type: single nucleotide variant.
Coding change: c.664C>T on transcript NM_004527.4 (MANE Select); coding-DNA position 664, C replaced by T.
Protein change: p.Arg222Ter; replaces arginine 222 with a stop codon.
Molecular consequence: nonsense. On other transcripts: missense variant (1).
Genome position (GRCh38, 1-based): chr17:43,642,011, G>A on the plus strand (C>T on the coding strand, the complement: MEOX1 is on the minus strand). VCF-style: chr17-43642011-G-A. GRCh37 (hg19) VCF-style: chr17-41719379-G-A.
Other names: c.319C>T, p.Arg107Ter (NM_001040002.2); c.491C>T, p.Pro164Leu (NM_013999.4); short protein forms R222*, P164L, R107*.
Identifiers: ClinVar variation 39508 (VCV000039508.4), dbSNP rs772798486, ClinGen allele CA399903609.

ClinVar aggregate classification (germline): Likely pathogenic. Review status: criteria provided, single submitter (1 of 4 stars). 2 submissions from 2 submitters: Likely pathogenic (1). 1 of the submissions does not count toward it.

Conditions:
Klippel-Feil syndrome 2, autosomal recessive (KFS2). Also called: Klippel Feil syndrome autosomal recessive; KLIPPEL-FEIL SYNDROME 2; CERVICAL VERTEBRAL FUSION, AUTOSOMAL RECESSIVE; KFS, AUTOSOMAL RECESSIVE. Identifiers: Orphanet 2345, MedGen C1859209, MONDO:0008958, OMIM 214300.

gnomAD v4.1: 4 of 1,613,844 alleles (0.00025%); highest among the groups gnomAD compares: Non-Finnish European, 0.00034%; no homozygotes.

Submissions (2):

Juno Genomics, Hangzhou Juno Genomics, Inc
Classification: Likely pathogenic for Klippel-Feil syndrome 2, autosomal recessive. Review status: criteria provided, single submitter. Criteria: ACMG Guidelines, 2015. Collection method: clinical testing. Allele origin: germline.
Comment: Absent from controls (or at extremely low frequency if recessive) in Genome Aggregation Database.;Null variant in a gene where loss of function (LOF) is a known mechanism of disease.;For recessive disorders, detected in trans with a pathogenic variant.;Patient's phenotype or family history is highly specific for a disease with a single genetic etiology.

OMIM
Classification: Pathogenic for KLIPPEL-FEIL SYNDROME 2. Last evaluated: 2013-01-10. Review status: no assertion criteria provided. Collection method: literature only. Allele origin: germline. Not counted in ClinVar's aggregate classification.

Literature cited by the submitters: PubMed 23290072 (cited by OMIM).